The following is an entry in ClinVar:

ClinVar aggregate classification (germline): Uncertain significance (1 of 4 stars; one submission).

Conditions:
Early-infantile DEE. Also called: Early infantile epileptic encephalopathy; Ohtahara syndrome; Early infantile epileptic encephalopathy with suppression bursts. Identifiers: Orphanet 1934, MedGen C0393706, MONDO:0800491.

Allele frequency attached by ClinVar (database versions not stated): gnomAD exomes below 0.00001.
gnomAD v4.1: 2 of 1,606,804 alleles (0.00012%); highest among the groups gnomAD compares: South Asian, 0.0011%; no homozygotes.

Submission:

Labcorp Genetics (formerly Invitae), Labcorp
Classification: Uncertain significance for Early-infantile DEE. Last evaluated: 2021-02-11. Review status: criteria provided, single submitter. Criteria: Invitae Variant Classification Sherloc (09022015). Collection method: clinical testing. Allele origin: germline.
Comment: In summary, the available evidence is currently insufficient to determine the role of this variant in disease. Therefore, it has been classified as a Variant of Uncertain Significance. This sequence change replaces alanine with serine at codon 856 of the KCNQ2 protein (p.Ala856Ser). The alanine residue is highly conserved and there is a moderate physicochemical difference between alanine and serine. This variant is not present in population databases (ExAC no frequency). This variant has not been reported in the literature in individuals with KCNQ2-related conditions. Advanced modeling of protein sequence and biophysical properties (such as structural, functional, and spatial information, amino acid conservation, physicochemical variation, residue mobility, and thermodynamic stability) performed at Invitae indicates that this missense variant is not expected to disrupt KCNQ2 protein function.

NM_172107.4(KCNQ2):c.2566G>T (p.Ala856Ser)

Gene: KCNQ2 (potassium voltage-gated channel subfamily Q member 2; minus strand). Cytogenetic location: 20q13.33.
Variant type: single nucleotide variant.
Coding change: c.2566G>T on transcript NM_172107.4 (MANE Select); coding-DNA position 2566, G replaced by T.
Protein change: p.Ala856Ser; replaces alanine 856 with serine.
Molecular consequence: missense variant.
Genome position (GRCh38, 1-based): chr20:63,406,697, C>A on the plus strand (G>T on the coding strand, the complement: KCNQ2 is on the minus strand). VCF-style: chr20-63406697-C-A. GRCh37 (hg19) VCF-style: chr20-62038050-C-A.
Other names: c.2620G>T, p.Ala874Ser (NM_001382235.1); c.2482G>T, p.Ala828Ser (NM_004518.6); c.2512G>T, p.Ala838Ser (NM_172106.3); c.2473G>T, p.Ala825Ser (NM_172108.5); short protein forms A856S, A874S, A828S, A838S, A825S.
Identifiers: ClinVar variation 1503469 (VCV001503469.9), dbSNP rs1280612355, ClinGen allele CA409636526.